The following is an entry in ClinVar:

ClinVar aggregate classification (germline): Benign/Likely benign. Review status: criteria provided, multiple submitters, no conflicts (2 of 4 stars). 3 submissions from 3 submitters: Benign (1); Likely benign (2). Last evaluated 2026-02-19.

Conditions:
Hereditary sensory and autonomic neuropathy type 1 (HSAN1). Also called: HSAN 1; HSN Type I; Hereditary Sensory Neuropathy Type I. Identifiers: Orphanet 36386, MedGen C0020071, MONDO:0018213.
SPTLC1-related disorder. Also called: SPTLC1-related condition.

Allele frequency attached by ClinVar (database versions not stated): ExAC 0.00016; gnomAD 0.00034 and 0.00033; 1000 Genomes Project 0.00040; gnomAD exomes 0.00011 and 0.00003; ESP Exome Variant Server 0.00023; TOPMed 0.00037; 1000 Genomes Project 30x 0.00031.
gnomAD v4.1: 98 of 1,610,490 alleles (0.0061%); highest among the groups gnomAD compares: African/African-American, 0.11%; no homozygotes.

Submissions (3):

PreventionGenetics, part of Exact Sciences
Classification: Likely benign for SPTLC1-related condition. Last evaluated: 2026-02-19. Review status: criteria provided, single submitter. Criteria: ACMG Guidelines, 2015. Collection method: clinical testing. Allele origin: germline.
Comment: This variant is classified as likely benign based on ACMG/AMP sequence variant interpretation guidelines (Richards et al. 2015 PMID: 25741868, with internal and published modifications).

Labcorp Genetics (formerly Invitae), Labcorp
Classification: Benign for Hereditary sensory and autonomic neuropathy type 1. Last evaluated: 2025-10-19. Review status: criteria provided, single submitter. Criteria: Invitae Variant Classification Sherloc (09022015). Collection method: clinical testing. Allele origin: germline.

CeGaT Center for Human Genetics Tuebingen
Classification: Likely benign. Last evaluated: 2024-10-01. Review status: criteria provided, single submitter. Criteria: CeGaT Center For Human Genetics Tuebingen Variant Classification Criteria Version 2. Collection method: clinical testing. Allele origin: germline. Affected: yes. Observed: 1 variant allele.
Comment: SPTLC1: BS1

NM_006415.4(SPTLC1):c.1082-7C>A

Gene: SPTLC1 (serine palmitoyltransferase long chain base subunit 1; minus strand). Cytogenetic location: 9q22.31.
Variant type: single nucleotide variant.
Coding change: c.1082-7C>A on transcript NM_006415.4 (MANE Select); 7 bases into the intron before coding-DNA position 1082, C replaced by A.
Molecular consequence: intron variant.
Genome position (GRCh38, 1-based): chr9:92,046,060, G>T on the plus strand (C>A on the coding strand, the complement: SPTLC1 is on the minus strand). VCF-style: chr9-92046060-G-T. GRCh37 (hg19) VCF-style: chr9-94808342-G-T.
Other names: c.1082-7C>A (NM_001281303.2); c.716-7C>A (NM_001368272.1); c.617-7C>A (NM_001368273.1).
Identifiers: ClinVar variation 771994 (VCV000771994.26), dbSNP rs142955535, ClinGen allele CA5121320.